The following is an entry in ClinVar:

ClinVar aggregate classification (germline): Uncertain significance (1 of 4 stars; one submission).

Conditions:
Marfan syndrome (MFS). Also called: MARFAN SYNDROME, TYPE I; Marfan syndrome type 1; Marfan's syndrome; Marfan syndrome, classic; FBN1-Related Marfan Syndrome. Identifiers: Orphanet 284963, Orphanet 558, MedGen C0024796, MONDO:0007947, OMIM 154700.

Submission:

All of Us Research Program, National Institutes of Health
Classification: Uncertain significance for Marfan syndrome. Last evaluated: 2023-06-08. Review status: criteria provided, single submitter. Criteria: ACMG Guidelines, 2015. Collection method: clinical testing. Allele origin: germline. Inheritance: Autosomal dominant inheritance. Observed: 1 variant allele, 1 heterozygote.
Comment: This missense variant replaces histidine with arginine at codon 1041 of the FBN1 protein. Computational prediction is inconclusive regarding the impact of this variant on protein structure and function (internally defined REVEL score threshold 0.5 < inconclusive < 0.7, PMID: 27666373). To our knowledge, functional studies have not been reported for this variant. This variant has not been reported in individuals affected with FBN1-related disorders in the literature. This variant has not been identified in the general population by the Genome Aggregation Database (gnomAD). The available evidence is insufficient to determine the role of this variant in disease conclusively. Therefore, this variant is classified as a Variant of Uncertain Significance.

This study involves interpretation of variants in research participants for the purpose of population health screening. Participant phenotype was not available at the time of variant classification. Additional details can be found in publication PMID: 35346344, PMCID: PMC8962531

NM_000138.5(FBN1):c.3122A>G (p.His1041Arg)

Gene: FBN1 (fibrillin 1; minus strand). Cytogenetic location: 15q21.1.
Variant type: single nucleotide variant.
Coding change: c.3122A>G on transcript NM_000138.5 (MANE Select); coding-DNA position 3122, A replaced by G.
Protein change: p.His1041Arg; replaces histidine 1041 with arginine.
Molecular consequence: missense variant.
Genome position (GRCh38, 1-based): chr15:48,488,454, T>C on the plus strand (A>G on the coding strand, the complement: FBN1 is on the minus strand). VCF-style: chr15-48488454-T-C. GRCh37 (hg19) VCF-style: chr15-48780651-T-C.
Other names: c.3122A>G, p.His1041Arg (NM_001406716.1); short protein forms H1041R.
Identifiers: ClinVar variation 3071486 (VCV003071486.1), dbSNP rs2505553715, ClinGen allele CA392328156.
Genomic context (GRCh38, chr15:48,488,454, plus strand): 5'-AGAGCAAAGCCGCTGTCACACCTGCACTTAAAGCTGCCAATGGTGTTTCTGCACTTGCCG[T>C]GGGTGCAGAGGCTGGGTATCATCTTGCACTCATTGATATCTTCAAGAATAAGAAAATGTG-3'
Protein context (NP_000129.3, residues 1031-1051): ECKMIPSLCT[His1041Arg]GKCRNTIGSF